The following is an entry in ClinVar:

NM_205836.3(FBXO38):c.777C>T (p.Ala259=)

Gene: FBXO38 (F-box protein 38; plus strand). Cytogenetic location: 5q32.
Variant type: single nucleotide variant.
Coding change: c.777C>T on transcript NM_205836.3 (MANE Select); coding-DNA position 777, C replaced by T.
Protein change: p.Ala259=; no amino-acid change (alanine 259 retained).
Molecular consequence: synonymous variant.
Genome position (GRCh38, 1-based): chr5:148,406,303, C>T. VCF-style: chr5-148406303-C-T. GRCh37 (hg19) VCF-style: chr5-147785866-C-T.
Other names: c.777C>T, p.Ala259= (NM_001271723.2, NM_030793.5).
Identifiers: ClinVar variation 4982533 (VCV004982533.1).
Genomic context (GRCh38, chr5:148,406,303, plus strand): 5'-TTTTTTTTTTCCAGGACCCACAAATTCCTTGAAATATGTCCCTTTAGTAACAGGCTTAGC[C>T]TCTGCCCGAAACTTGGAACACTTAGAAATGGTTCGAGTTCCTTTCCTTGGAGGTCTTATC-3'
Protein context (NP_995308.1, residues 249-269): LKYVPLVTGL[Ala259=]SARNLEHLEM

ClinVar aggregate classification (germline): Likely benign (1 of 4 stars; one submission).

Conditions:
FBXO38-related disorder. Also called: FBXO38-related condition.

gnomAD v4.1: 2 of 1,609,896 alleles (0.00012%); highest among the groups gnomAD compares: African/African-American, 0.0027%; no homozygotes.

Submission:

PreventionGenetics, part of Exact Sciences
Classification: Likely benign for FBXO38-related condition. Last evaluated: 2025-03-22. Review status: criteria provided, single submitter. Criteria: ACMG Guidelines, 2015. Collection method: clinical testing. Allele origin: germline.
Comment: This variant is classified as likely benign based on ACMG/AMP sequence variant interpretation guidelines (Richards et al. 2015 PMID: 25741868, with internal and published modifications).